The following is an entry in ClinVar:

NM_004304.5(ALK):c.1340C>G (p.Thr447Arg)

Gene: ALK (ALK receptor tyrosine kinase; minus strand). Cytogenetic location: 2p23.2.
Variant type: single nucleotide variant.
Coding change: c.1340C>G on transcript NM_004304.5 (MANE Select); coding-DNA position 1340, C replaced by G.
Protein change: p.Thr447Arg; replaces threonine 447 with arginine.
Molecular consequence: missense variant.
Genome position (GRCh38, 1-based): chr2:29,328,424, G>C on the plus strand (C>G on the coding strand, the complement: ALK is on the minus strand). VCF-style: chr2-29328424-G-C. GRCh37 (hg19) VCF-style: chr2-29551290-G-C.
Other names: short protein forms T447R.
Identifiers: ClinVar variation 4869871 (VCV004869871.1).
Genomic context (GRCh38, chr2:29,328,424, plus strand): 5'-TCATCTTCTCCCTGGGCACAGTCCTGGTGGAAGTCACAGGCCTGCCCAAGCTGGAGGACT[G>C]TCCCATTCCAACAAGTGAAGGAGCTCTGCAGGGCCATCTTGGAGCCTGGGGATGTTCCTG-3'
Protein context (NP_004295.2, residues 437-457): LQSSFTCWNG[Thr447Arg]VLQLGQACDF

ClinVar aggregate classification (germline): Uncertain significance (1 of 4 stars; one submission).

Conditions:
Hereditary cancer-predisposing syndrome. Also called: Neoplastic Syndromes, Hereditary; Tumor predisposition; Hereditary Cancer Syndrome; Hereditary neoplastic syndrome. Identifiers: Orphanet 140162, MedGen C0027672, MeSH D009386, MONDO:0015356.

Submission:

Ambry Genetics
Classification: Uncertain significance for Hereditary cancer-predisposing syndrome. Last evaluated: 2026-03-17. Review status: criteria provided, single submitter. Criteria: Ambry Variant Classification Scheme 2023. Collection method: clinical testing. Allele origin: germline.
Comment: The p.T447R variant (also known as c.1340C>G), located in coding exon 6 of the ALK gene, results from a C to G substitution at nucleotide position 1340. The threonine at codon 447 is replaced by arginine, an amino acid with similar properties. This amino acid position is conserved. In addition, this alteration is predicted to be deleterious by in silico analysis. Based on the available evidence, the clinical significance of this variant remains unclear.